The following is an entry in ClinVar:

ClinVar aggregate classification (germline): Conflicting classifications of pathogenicity. Review status: criteria provided, conflicting classifications (1 of 4 stars). 3 submissions from 3 submitters: Uncertain significance (1); Likely benign (2). Last evaluated 2025-03-30.

Conditions:
Immunodeficiency 35 (IMD35). Also called: TYK2 DEFICIENCY; Susceptibility to infection due to TYK2 deficiency; HIES WITH ATYPICAL MYCOBACTERIOSIS, AUTOSOMAL RECESSIVE; HYPER-IgE SYNDROME WITH ATYPICAL MYCOBACTERIOSIS, AUTOSOMAL RECESSIVE. Identifiers: Orphanet 331226, MedGen C1969086, MONDO:0012682, OMIM 611521.

Allele frequency attached by ClinVar (database versions not stated): gnomAD 0.00003; TOPMed 0.00028; 1000 Genomes Project 0.00120; 1000 Genomes Project 30x 0.00125.

Submissions (3):

Labcorp Genetics (formerly Invitae), Labcorp
Classification: Likely benign for Immunodeficiency 35. Last evaluated: 2025-03-30. Review status: criteria provided, single submitter. Criteria: Invitae Variant Classification Sherloc (09022015). Collection method: clinical testing. Allele origin: germline.

Illumina Laboratory Services, Illumina
Classification: Uncertain significance for Immunodeficiency 35. Last evaluated: 2018-01-12. Review status: criteria provided, single submitter. Criteria: ICSL Variant Classification Criteria 13 December 2019. Collection method: clinical testing. Allele origin: germline.

GeneDx
Classification: Likely benign. Last evaluated: 2017-03-15. Review status: criteria provided, single submitter. Criteria: GeneDx Variant Classification (06012015). Collection method: clinical testing. Allele origin: germline. Affected: yes.
Comment: This variant is considered likely benign or benign based on one or more of the following criteria: it is a conservative change, it occurs at a poorly conserved position in the protein, it is predicted to be benign by multiple in silico algorithms, and/or has population frequency not consistent with disease.

NM_003331.5(TYK2):c.2646G>C (p.Pro882=)

Gene: TYK2 (tyrosine kinase 2; minus strand). Cytogenetic location: 19p13.2.
Variant type: single nucleotide variant.
Coding change: c.2646G>C on transcript NM_003331.5 (MANE Select); coding-DNA position 2646, G replaced by C.
Protein change: p.Pro882=; no amino-acid change (proline 882 retained).
Molecular consequence: synonymous variant.
Genome position (GRCh38, 1-based): chr19:10,354,581, C>G on the plus strand (G>C on the coding strand, the complement: TYK2 is on the minus strand). VCF-style: chr19-10354581-C-G. GRCh37 (hg19) VCF-style: chr19-10465257-C-G.
Other names: c.2646G>C (LRG_121t1).
Identifiers: ClinVar variation 517816 (VCV000517816.14), dbSNP rs184567726, ClinGen allele CA9192974.